The following is an entry in ClinVar:

ClinVar aggregate classification (germline): Benign. Review status: criteria provided, multiple submitters, no conflicts (2 of 4 stars). 2 submissions from 2 submitters: Benign (2). Last evaluated 2018-06-14.

Allele frequency attached by ClinVar (database versions not stated): 1000 Genomes Project 30x 0.99016; 1000 Genomes Project 0.99062; TOPMed 0.99097; gnomAD 0.99188 and 0.99242; gnomAD exomes 0.99925.
gnomAD v4.1: 1,371,033 of 1,373,140 alleles (100%); highest among the groups gnomAD compares: Middle Eastern, 100%; 684,481 homozygotes.

Submissions (2):

GeneDx
Classification: Benign. Last evaluated: 2018-06-14. Review status: criteria provided, single submitter. Criteria: GeneDx Variant Classification (06012015). Collection method: clinical testing. Allele origin: germline. Affected: yes.
Comment: This variant is considered likely benign or benign based on one or more of the following criteria: it is a conservative change, it occurs at a poorly conserved position in the protein, it is predicted to be benign by multiple in silico algorithms, and/or has population frequency not consistent with disease.

Breakthrough Genomics
Classification: Benign. Review status: criteria provided, single submitter. Criteria: ACMG Guidelines, 2015. Collection method: not provided. Allele origin: germline. Inheritance: Autosomal dominant inheritance. Affected: yes.

NM_004984.4(KIF5A):c.2910-83A>G

Gene: KIF5A (kinesin family member 5A; plus strand). Cytogenetic location: 12q13.3.
Variant type: single nucleotide variant.
Coding change: c.2910-83A>G on transcript NM_004984.4 (MANE Select); 83 bases into the intron before coding-DNA position 2910, A replaced by G.
Molecular consequence: intron variant.
Genome position (GRCh38, 1-based): chr12:57,581,787, A>G. VCF-style: chr12-57581787-A-G. GRCh37 (hg19) VCF-style: chr12-57975570-A-G.
Other names: c.2643-83A>G (NM_001354705.2).
Identifiers: ClinVar variation 682856 (VCV000682856.2), dbSNP rs775247, ClinGen allele CA237791297.
Genomic context (GRCh38, chr12:57,581,787, plus strand): 5'-CTGTGGCCATGTTTGTTTTCCTCTGCTCTCTGGGGATGGGGAGGGCTGAGCAGCTCTATC[A>G]CTGAGGATGAGTGTGGATTAGTGGTCCTCAGACTAGTGGAGGGTGGGTGTCAGAGGCTGC-3'